The following is an entry in ClinVar:

NM_024529.5(CDC73):c.445G>C (p.Asp149His)

Gene: CDC73 (cell division cycle 73; plus strand). Cytogenetic location: 1q31.2.
Variant type: single nucleotide variant.
Coding change: c.445G>C on transcript NM_024529.5 (MANE Select); coding-DNA position 445, G replaced by C.
Protein change: p.Asp149His; replaces aspartic acid 149 with histidine.
Molecular consequence: missense variant.
Genome position (GRCh38, 1-based): chr1:193,138,106, G>C. VCF-style: chr1-193138106-G-C. GRCh37 (hg19) VCF-style: chr1-193107236-G-C.
Other names: short protein forms D149H.
Identifiers: ClinVar variation 4223483 (VCV004223483.1).
Genomic context (GRCh38, chr1:193,138,106, plus strand): 5'-ATAAAAATTTTAAATGCATTAACCAGTGGTTATTTCCAGGATGAAGAGTGTGTGCGCCTT[G>C]ATAAAGAGAGATTGGCTGCCCGTTTGGAGGGTCACAAAGAAGGGATTGTACAGACTGAAC-3'
Protein context (NP_078805.3, residues 139-159): RIEDEECVRL[Asp149His]KERLAARLEG

ClinVar aggregate classification (germline): Uncertain significance (1 of 4 stars; one submission).

Conditions:
Hereditary cancer-predisposing syndrome. Also called: Hereditary Cancer Syndrome; Hereditary neoplastic syndrome; Neoplastic Syndromes, Hereditary; Tumor predisposition. Identifiers: Orphanet 140162, MedGen C0027672, MeSH D009386, MONDO:0015356.

Submission:

Ambry Genetics
Classification: Uncertain significance for Hereditary cancer-predisposing syndrome. Last evaluated: 2025-08-08. Review status: criteria provided, single submitter. Criteria: Ambry Variant Classification Scheme 2023. Collection method: clinical testing. Allele origin: germline.
Comment: The p.D149H variant (also known as c.445G>C), located in coding exon 6 of the CDC73 gene, results from a G to C substitution at nucleotide position 445. The aspartic acid at codon 149 is replaced by histidine, an amino acid with similar properties. This amino acid position is conserved. In addition, this alteration is predicted to be deleterious by in silico analysis. Based on the available evidence, the clinical significance of this variant remains unclear.